The following is an entry in ClinVar:

NM_001136157.2(OTUD5):c.863T>C (p.Met288Thr)

Gene: OTUD5 (OTU deubiquitinase 5; minus strand). Cytogenetic location: Xp11.23.
Variant type: single nucleotide variant.
Coding change: c.863T>C on transcript NM_001136157.2 (MANE Select); coding-DNA position 863, T replaced by C.
Protein change: p.Met288Thr; replaces methionine 288 with threonine.
Molecular consequence: missense variant.
Genome position (GRCh38, 1-based): chrX:48,934,758, A>G on the plus strand (T>C on the coding strand, the complement: OTUD5 is on the minus strand). VCF-style: chrX-48934758-A-G. GRCh37 (hg19) VCF-style: chrX-48792031-A-G.
Other names: c.863T>C, p.Met288Thr (NM_001136158.2, NM_017602.4); c.212T>C, p.Met71Thr (NM_001136159.2); short protein forms M288T, M71T.
Identifiers: ClinVar variation 3374739 (VCV003374739.2).

ClinVar aggregate classification (germline): Likely pathogenic (1 of 4 stars; one submission).

Conditions:
Multiple congenital anomalies-neurodevelopmental syndrome, X-linked. Also called: LINKED SYNDROME. Identifiers: MedGen C5542341, MONDO:0025351, OMIM 301056.

Submission:

Molecular Genetics Laboratory, Motol Hospital
Classification: Likely pathogenic for Multiple congenital anomalies-neurodevelopmental syndrome, X-linked. Last evaluated: 2024-11-07. Review status: criteria provided, single submitter. Criteria: ACMG Guidelines, 2015. Collection method: clinical testing. Allele origin: de novo. Affected: yes. Observed: 1 variant allele.
Comment: The variant was confirmed to be of a de novo origin. Rare missense variants affecting the OTUD5 gene are well documented as a molecular cause of X-linked multiple congenital anomalies-neurodevelopmental syndrome (OMIM:301056) (PMID:33748114;38037881;33523931). To conclude, the variant is classified as pathogenic (ACMG PM2, PS2, PP2, PP3).

Literature cited by the submitters: PubMed 33748114; PubMed 38037881; PubMed 33523931.